The following is an entry in ClinVar:

NM_001365276.2(TNXB):c.7947G>A (p.Thr2649=)

Gene: TNXB (tenascin XB; minus strand). Cytogenetic location: 6p21.33.
Variant type: single nucleotide variant.
Coding change: c.7947G>A on transcript NM_001365276.2 (MANE Select); coding-DNA position 7947, G replaced by A.
Protein change: p.Thr2649=; no amino-acid change (threonine 2649 retained).
Molecular consequence: synonymous variant.
Genome position (GRCh38, 1-based): chr6:32,056,782, C>T on the plus strand (G>A on the coding strand, the complement: TNXB is on the minus strand). VCF-style: chr6-32056782-C-T. GRCh37 (hg19) VCF-style: chr6-32024559-C-T.
Other names: p.Thr2649=; c.7947G>A, p.Thr2649= (NM_019105.8).
Identifiers: ClinVar variation 1761341 (VCV001761341.12), dbSNP rs781198472, ClinGen allele CA3734002.

ClinVar aggregate classification (germline): Likely benign. Review status: criteria provided, multiple submitters, no conflicts (2 of 4 stars). 4 submissions from 4 submitters: Likely benign (4). Last evaluated 2025-08-07.

Conditions:
Cardiovascular phenotype. Identifiers: MedGen CN230736.

Allele frequency attached by ClinVar (database versions not stated): gnomAD 0.00001; TOPMed 0.00002; ExAC 0.00004.
gnomAD v4.1: 69 of 1,613,202 alleles (0.0043%); highest among the groups gnomAD compares: Non-Finnish European, 0.0048%; no homozygotes.

Submissions (4):

Mayo Clinic Laboratories, Mayo Clinic
Classification: Likely benign. Last evaluated: 2025-08-07. Review status: criteria provided, single submitter. Criteria: ACMG Guidelines, 2015. Collection method: clinical testing. Allele origin: germline. Observed: 1 variant allele.
Comment: BP4, BP7

CeGaT Center for Human Genetics Tuebingen
Classification: Likely benign. Last evaluated: 2025-08-01. Review status: criteria provided, single submitter. Criteria: CeGaT Center For Human Genetics Tuebingen Variant Classification Criteria Version 2. Collection method: clinical testing. Allele origin: germline. Affected: yes. Observed: 1 variant allele.
Comment: TNXB: BP4, BP7

Women's Health and Genetics/Laboratory Corporation of America, LabCorp
Classification: Likely benign. Last evaluated: 2025-02-04. Review status: criteria provided, single submitter. Criteria: LabCorp Variant Classification Summary - May 2015. Collection method: clinical testing. Allele origin: germline.

Ambry Genetics
Classification: Likely benign for Cardiovascular phenotype. Last evaluated: 2019-12-21. Review status: criteria provided, single submitter. Criteria: Ambry Variant Classification Scheme 2023. Collection method: clinical testing. Allele origin: germline.